The following is an entry in ClinVar:

NM_000179.3(MSH6):c.2026A>G (p.Lys676Glu)

Gene: MSH6 (mutS homolog 6; plus strand). Cytogenetic location: 2p16.3.
Variant type: single nucleotide variant.
Coding change: c.2026A>G on transcript NM_000179.3 (MANE Select); coding-DNA position 2026, A replaced by G.
Protein change: p.Lys676Glu; replaces lysine 676 with glutamic acid.
Molecular consequence: missense variant. On other transcripts: non-coding transcript variant (5), intron variant (2).
Genome position (GRCh38, 1-based): chr2:47,800,009, A>G. VCF-style: chr2-47800009-A-G. GRCh37 (hg19) VCF-style: chr2-48027148-A-G.
Other names: c.1729A>G, p.Lys577Glu (NM_001406801.1, NM_001406805.1, NM_001406797.1 and 10 more transcripts); c.2122A>G, p.Lys708Glu (NM_001406802.1, NM_001406795.1); c.2026A>G, p.Lys676Glu (NM_001406803.1, NM_001406808.1, NM_001406809.1 and 3 more transcripts); c.1948A>G, p.Lys650Glu (NM_001406804.1); c.1501A>G, p.Lys501Glu (NM_001406806.1, NM_001406807.1, NM_001406799.1); c.1120A>G, p.Lys374Glu (NM_001406811.1, NM_001406812.1, NM_001406814.1 and 6 more transcripts); c.2032A>G, p.Lys678Glu (NM_001406813.1); c.1636A>G, p.Lys546Glu (NM_001281492.2); and 3 more; short protein forms K676E, K678E, K501E, K708E, K374E, K546E, K577E, K650E.
Identifiers: ClinVar variation 4111214 (VCV004111214.2).

ClinVar aggregate classification (germline): Uncertain significance. Review status: criteria provided, multiple submitters, no conflicts (2 of 4 stars). 2 submissions from 2 submitters: Uncertain significance (2). Last evaluated 2025-07-28.

Conditions:
Hereditary cancer-predisposing syndrome. Also called: Tumor predisposition; Neoplastic Syndromes, Hereditary; Hereditary neoplastic syndrome; Hereditary Cancer Syndrome. Identifiers: Orphanet 140162, MedGen C0027672, MeSH D009386, MONDO:0015356.

gnomAD v4.1: 1 of 1,614,136 alleles (0.000062%); highest among the groups gnomAD compares: Non-Finnish European, 0.000085%; no homozygotes.

Submissions (2):

Ambry Genetics
Classification: Uncertain significance for Hereditary cancer-predisposing syndrome. Last evaluated: 2025-07-28. Review status: criteria provided, single submitter. Criteria: Ambry Variant Classification Scheme 2023. Collection method: clinical testing. Allele origin: germline.
Comment: The p.K676E variant (also known as c.2026A>G), located in coding exon 4 of the MSH6 gene, results from an A to G substitution at nucleotide position 2026. The lysine at codon 676 is replaced by glutamic acid, an amino acid with similar properties. This amino acid position is conserved. In addition, this alteration is predicted to be tolerated by in silico analysis. Based on the available evidence, the clinical significance of this variant remains unclear.

Color Diagnostics, LLC DBA Color Health
Classification: Uncertain significance for Hereditary cancer-predisposing syndrome. Last evaluated: 2025-06-03. Review status: criteria provided, single submitter. Criteria: ACMG Guidelines, 2015. Collection method: clinical testing. Allele origin: germline.
Comment: This missense variant replaces lysine with glutamic acid at codon 676 of the MSH6 protein. Computational prediction suggests that this variant may not impact protein structure and function. To our knowledge, functional studies have not been reported for this variant. This variant has not been reported in individuals affected with MSH6-related disorders in the literature. This variant has not been identified in the general population by the Genome Aggregation Database (gnomAD). The available evidence is insufficient to determine the role of this variant in disease conclusively. Therefore, this variant is classified as a Variant of Uncertain Significance.